The following is an entry in ClinVar:

ClinVar aggregate classification (germline): Pathogenic (1 of 4 stars; one submission).

Conditions:
Epidermolysis bullosa dystrophica. Also called: Dystrophic epidermolysis bullosa, Hallopeau-Siemens type (formerly); Dystrophic epidermolysis bullosa. Identifiers: Orphanet 303, MedGen C0079294, MONDO:0006543.

Submission:

Natera, Inc.
Classification: Pathogenic for Dystrophic epidermolysis bullosa. Last evaluated: 2024-05-28. Review status: criteria provided, single submitter. Criteria: Natera Variant Classification Schema (03/2026). Collection method: clinical testing. Allele origin: germline.
Comment: The c.4899+1G>A variant in COL7A1 is a canonical splice donor site variant predicted to affect pre-mRNA splicing, which may result in an abnormal transcript and altered protein product. This variant may result in a truncated or dysfunctional protein product. This variant is rare in the general population with a frequency below the threshold expected for the associated phenotype(s). This variant has been observed in one or more individuals affected with the associated recessive disease, as either homozygous or compound heterozygous with a second variant (PMID: 15807692, 16484981, 27899325). Functional studies show that this variant may disrupt protein function (PMID: 15807692). Given the available evidence, this variant is classified as Pathogenic.

Literature cited by the submitters: PubMed 15807692; PubMed 16484981; PubMed 27899325.

NM_000094.4(COL7A1):c.4899+1G>A

Gene: COL7A1 (collagen type VII alpha 1 chain; minus strand). Cytogenetic location: 3p21.31.
Variant type: single nucleotide variant.
Coding change: c.4899+1G>A on transcript NM_000094.4 (MANE Select); the canonical splice donor site of the intron after coding-DNA position 4899, G replaced by A.
Molecular consequence: splice donor variant.
Genome position (GRCh38, 1-based): chr3:48,581,259, C>T on the plus strand (G>A on the coding strand, the complement: COL7A1 is on the minus strand). VCF-style: chr3-48581259-C-T. GRCh37 (hg19) VCF-style: chr3-48618692-C-T.
Identifiers: ClinVar variation 4817381 (VCV004817381.1).